The following is an entry in ClinVar:

NM_152703.5(SAMD9L):c.3454C>T (p.Leu1152Phe)

Gene: SAMD9L (sterile alpha motif domain containing 9 like; minus strand). Cytogenetic location: 7q21.2.
Variant type: single nucleotide variant.
Coding change: c.3454C>T on transcript NM_152703.5 (MANE Select); coding-DNA position 3454, C replaced by T.
Protein change: p.Leu1152Phe; replaces leucine 1152 with phenylalanine.
Molecular consequence: missense variant.
Genome position (GRCh38, 1-based): chr7:93,132,518, G>A on the plus strand (C>T on the coding strand, the complement: SAMD9L is on the minus strand). VCF-style: chr7-93132518-G-A. GRCh37 (hg19) VCF-style: chr7-92761831-G-A.
Other names: c.3454C>T, p.Leu1152Phe (NM_001350083.2, NM_001350084.2, NM_001350085.2 and 5 more transcripts); short protein forms L1152F.
Identifiers: ClinVar variation 4630047 (VCV004630047.1).
Genomic context (GRCh38, chr7:93,132,518, plus strand): 5'-TATCAGTTTGCCTTTGGGATTCTTTGAAAGCTCTTGAGGCTTTTTCCGCAGCTTCTAGGA[G>A]ATGTGTTAGGTCATTAACAGTAATGCTCCTACAGTTTTTGTTCCCATCCAACCACCATTT-3'
Protein context (NP_689916.2, residues 1142-1162): RSITVNDLTH[Leu1152Phe]LEAAEKASRA

ClinVar aggregate classification (germline): Uncertain significance (1 of 4 stars; one submission).

Conditions:
Inborn genetic diseases. Identifiers: MedGen C0950123, MeSH D030342.

Submission:

Ambry Genetics
Classification: Uncertain significance for Inborn genetic diseases. Last evaluated: 2025-10-10. Review status: criteria provided, single submitter. Criteria: Ambry Variant Classification Scheme 2023. Collection method: clinical testing. Allele origin: germline.
Comment: The p.L1152F variant (also known as c.3454C>T), located in coding exon 1 of the SAMD9L gene, results from a C to T substitution at nucleotide position 3454. The leucine at codon 1152 is replaced by phenylalanine, an amino acid with highly similar properties. This amino acid position is conserved. In addition, this alteration is predicted to be tolerated by in silico analysis. Based on the available evidence, the clinical significance of this variant remains unclear.